The following is an entry in ClinVar:

ClinVar aggregate classification (germline): Benign/Likely benign. Review status: criteria provided, multiple submitters, no conflicts (2 of 4 stars). 5 submissions from 5 submitters: Benign (3); Likely benign (2). Last evaluated 2026-06-01.

Allele frequency attached by ClinVar (database versions not stated): 1000 Genomes Project 0.00859; 1000 Genomes Project 30x 0.00874; ESP Exome Variant Server 0.01184; ExAC 0.01257; TOPMed 0.01289; gnomAD 0.01321 and 0.01329; gnomAD exomes 0.01328.
gnomAD v4.1: 25,178 of 1,613,498 alleles (1.6%); highest among the groups gnomAD compares: Admixed American, 2.3%; 242 homozygotes.

Submissions (5):

CeGaT Center for Human Genetics Tuebingen
Classification: Benign. Last evaluated: 2026-06-01. Review status: criteria provided, single submitter. Criteria: CeGaT Center For Human Genetics Tuebingen Variant Classification Criteria Version 2. Collection method: clinical testing. Allele origin: germline. Affected: yes. Observed: 11 variant alleles.
Comment: PLD3: BP4, BP7, BS1, BS2

Labcorp Genetics (formerly Invitae), Labcorp
Classification: Benign. Last evaluated: 2026-01-28. Review status: criteria provided, single submitter. Criteria: Invitae Variant Classification Sherloc (09022015). Collection method: clinical testing. Allele origin: germline.

Mayo Clinic Laboratories, Mayo Clinic
Classification: Benign. Last evaluated: 2023-02-22. Review status: criteria provided, single submitter. Criteria: ACMG Guidelines, 2015. Collection method: clinical testing. Allele origin: germline. Observed: 37 variant alleles.
Comment: BS1, BS2, BP4, BP7

Laboratory for Molecular Medicine, Mass General Brigham Personalized Medicine
Classification: Likely benign. Last evaluated: 2016-03-29. Review status: criteria provided, single submitter. Criteria: LMM Criteria. Collection method: clinical testing. Allele origin: germline.
Comment: Variant identified in a genome or exome case(s) and assessed due to predicted null impact of the variant or pathogenic assertions in the literature or databases. Disclaimer: This variant has not undergone full assessment. The following are preliminary notes: frequency. OB 12/23/15: 1.4% in Eur chr, 14 hom in ExAC

Breakthrough Genomics
Classification: Likely benign. Review status: criteria provided, single submitter. Criteria: ACMG Guidelines, 2015. Collection method: not provided. Allele origin: germline. Inheritance: Autosomal dominant inheritance. Affected: yes.

Literature cited by the submitters: PubMed 24336208 (cited by Mayo Clinic Laboratories, Mayo Clinic); PubMed 26411346 (cited by Mayo Clinic Laboratories, Mayo Clinic).

NM_012268.4(PLD3):c.1326G>A (p.Ala442=)

Gene: PLD3 (phospholipase D family member 3; plus strand). Cytogenetic location: 19q13.2.
Variant type: single nucleotide variant.
Coding change: c.1326G>A on transcript NM_012268.4 (MANE Select); coding-DNA position 1326, G replaced by A.
Protein change: p.Ala442=; no amino-acid change (alanine 442 retained).
Molecular consequence: synonymous variant.
Genome position (GRCh38, 1-based): chr19:40,378,026, G>A. VCF-style: chr19-40378026-G-A. GRCh37 (hg19) VCF-style: chr19-40883933-G-A.
Other names: p.Ala442=; c.1326G>A, p.Ala442= (NM_001031696.4, NM_001291311.2).
Identifiers: ClinVar variation 403325 (VCV000403325.34), dbSNP rs4819, ClinGen allele CA9443031.